The following is an entry in ClinVar:

ClinVar aggregate classification (germline): Conflicting classifications of pathogenicity. Review status: criteria provided, conflicting classifications (1 of 4 stars). 5 submissions from 5 submitters: Uncertain significance (1); Likely benign (3). 1 of the submissions does not count toward it. Last evaluated 2025-08-05.

Conditions:
FAT2-related disorder. Also called: FAT2-related condition.
Spinocerebellar ataxia 45. Identifiers: Orphanet 589527, MedGen C4540400, MONDO:0033480, OMIM 617769.

Allele frequency attached by ClinVar (database versions not stated): gnomAD exomes 0.00057; ExAC 0.00076; 1000 Genomes Project 30x 0.00203; gnomAD 0.00235 and 0.00247; TOPMed 0.00246; ESP Exome Variant Server 0.00261.
gnomAD v4.1: 713 of 1,614,262 alleles (0.044%); highest among the groups gnomAD compares: African/African-American, 0.75%; 6 homozygotes.

Submissions (5):

Ambry Genetics
Classification: Uncertain significance. Last evaluated: 2025-08-05. Review status: criteria provided, single submitter. Criteria: Ambry Variant Classification Scheme 2023. Collection method: clinical testing. Allele origin: germline.

Labcorp Genetics (formerly Invitae), Labcorp
Classification: Likely benign. Last evaluated: 2025-06-12. Review status: criteria provided, single submitter. Criteria: Invitae Variant Classification Sherloc (09022015). Collection method: clinical testing. Allele origin: germline.

Blueprint Genetics
Classification: Likely benign. Last evaluated: 2024-11-26. Review status: criteria provided, single submitter. Criteria: ACMG Guidelines, 2015. Collection method: clinical testing. Allele origin: germline.

Department of Pathology and Laboratory Medicine, Sinai Health System
Classification: Likely benign for Spinocerebellar ataxia 45. Last evaluated: 2021-07-30. Review status: criteria provided, single submitter. Criteria: ACMG Guidelines, 2015. Collection method: research. Allele origin: germline.

PreventionGenetics, part of Exact Sciences
Classification: Benign for FAT2-related condition. Last evaluated: 2020-01-13. Review status: no assertion criteria provided. Collection method: clinical testing. Allele origin: germline. Not counted in ClinVar's aggregate classification.
Comment: This variant is classified as benign based on ACMG/AMP sequence variant interpretation guidelines (Richards et al. 2015 PMID: 25741868, with internal and published modifications).

NM_001447.3(FAT2):c.3976C>T (p.Leu1326Phe)

Genes: FAT2 (FAT atypical cadherin 2; minus strand), SLC36A1 (solute carrier family 36 member 1; plus strand). Cytogenetic location: 5q33.1.
Variant type: single nucleotide variant.
Coding change: c.3976C>T on transcript NM_001447.3 (MANE Select); coding-DNA position 3976, C replaced by T.
Protein change: p.Leu1326Phe; replaces leucine 1326 with phenylalanine.
Molecular consequence: missense variant.
Genome position (GRCh38, 1-based): chr5:151,553,357, G>A on the plus strand (C>T on the coding strand, the complement: FAT2 is on the minus strand). VCF-style: chr5-151553357-G-A. GRCh37 (hg19) VCF-style: chr5-150932918-G-A.
Other names: short protein forms L1326F.
Identifiers: ClinVar variation 708910 (VCV000708910.14), dbSNP rs146280178, ClinGen allele CA3521679.